The following is an entry in ClinVar:

NM_000388.4(CASR):c.50C>T (p.Thr17Ile)

Gene: CASR (calcium sensing receptor; plus strand). Cytogenetic location: 3q21.1.
Variant type: single nucleotide variant.
Coding change: c.50C>T on transcript NM_000388.4 (MANE Select); coding-DNA position 50, C replaced by T.
Protein change: p.Thr17Ile; replaces threonine 17 with isoleucine.
Molecular consequence: missense variant.
Genome position (GRCh38, 1-based): chr3:122,254,239, C>T. VCF-style: chr3-122254239-C-T. GRCh37 (hg19) VCF-style: chr3-121973086-C-T.
Other names: c.50C>T, p.Thr17Ile (NM_001178065.2); short protein forms T17I.
Identifiers: ClinVar variation 646655 (VCV000646655.13), dbSNP rs1424489717, ClinGen allele CA354362028.

ClinVar aggregate classification (germline): Uncertain significance. Review status: criteria provided, multiple submitters, no conflicts (2 of 4 stars). 3 submissions from 3 submitters: Uncertain significance (3). Last evaluated 2024-09-27.

Conditions:
Nephrolithiasis/nephrocalcinosis. Identifiers: MedGen CN580796.
Epilepsy, idiopathic generalized, susceptibility to, 8. Identifiers: MedGen C2752062, MONDO:0013032, OMIM 612899.
Familial hypocalciuric hypercalcemia 1. Also called: Hypercalcemia, familial benign type 1. Identifiers: Orphanet 405, Orphanet 93372, MedGen C0342637, MONDO:0007791, OMIM 145980.
Autosomal dominant hypocalcemia 1 (HYPOC1). Also called: HYPOCALCEMIA, FAMILIAL. Identifiers: MedGen C3715128, MONDO:0011013, OMIM 601198.
Neonatal severe primary hyperparathyroidism. Identifiers: Orphanet 417, MedGen C1832615, MONDO:0009397, OMIM 239200.
Familial hypocalciuric hypercalcemia (FHH). Also called: Familial benign hypercalcemia. Identifiers: Orphanet 405, MedGen C1809471, MONDO:0018458.

Allele frequency attached by ClinVar (database versions not stated): gnomAD exomes below 0.00001; TOPMed below 0.00001.

Submissions (3):

Ambry Genetics
Classification: Uncertain significance for Nephrolithiasis/nephrocalcinosis. Last evaluated: 2024-09-27. Review status: criteria provided, single submitter. Criteria: Ambry Variant Classification Scheme 2023. Collection method: clinical testing. Allele origin: germline.
Comment: The p.T17I variant (also known as c.50C>T), located in coding exon 1 of the CASR gene, results from a C to T substitution at nucleotide position 50. The threonine at codon 17 is replaced by isoleucine, an amino acid with similar properties. This amino acid position is not well conserved in available vertebrate species. In addition, this alteration is predicted to be tolerated by in silico analysis. Based on the available evidence, the clinical significance of this variant remains unclear.

Fulgent Genetics
Classification: Uncertain significance for Familial hypocalciuric hypercalcemia 1; Neonatal severe primary hyperparathyroidism; Autosomal dominant hypocalcemia 1; Epilepsy, idiopathic generalized, susceptibility to, 8. Last evaluated: 2024-05-21. Review status: criteria provided, single submitter. Criteria: ACMG Guidelines, 2015. Collection method: clinical testing. Allele origin: germline.

Labcorp Genetics (formerly Invitae), Labcorp
Classification: Uncertain significance for Familial hypocalciuric hypercalcemia; Autosomal dominant hypocalcemia 1. Last evaluated: 2023-11-13. Review status: criteria provided, single submitter. Criteria: Invitae Variant Classification Sherloc (09022015). Collection method: clinical testing. Allele origin: germline.
Comment: This sequence change replaces threonine, which is neutral and polar, with isoleucine, which is neutral and non-polar, at codon 17 of the CASR protein (p.Thr17Ile). This variant is not present in population databases (gnomAD no frequency). This variant has not been reported in the literature in individuals affected with CASR-related conditions. ClinVar contains an entry for this variant (Variation ID: 646655). An algorithm developed to predict the effect of missense changes on protein structure and function (PolyPhen-2) suggests that this variant is likely to be tolerated. In summary, the available evidence is currently insufficient to determine the role of this variant in disease. Therefore, it has been classified as a Variant of Uncertain Significance.